The following is an entry in ClinVar:

NM_030662.4(MAP2K2):c.650G>C (p.Gly217Ala)

Gene: MAP2K2 (mitogen-activated protein kinase kinase 2; minus strand). Cytogenetic location: 19p13.3.
Variant type: single nucleotide variant.
Coding change: c.650G>C on transcript NM_030662.4 (MANE Select); coding-DNA position 650, G replaced by C.
Protein change: p.Gly217Ala; replaces glycine 217 with alanine.
Molecular consequence: missense variant.
Genome position (GRCh38, 1-based): chr19:4,101,074, C>G on the plus strand (G>C on the coding strand, the complement: MAP2K2 is on the minus strand). VCF-style: chr19-4101074-C-G. GRCh37 (hg19) VCF-style: chr19-4101072-C-G.
Other names: short protein forms G217A.
Identifiers: ClinVar variation 2920917 (VCV002920917.1), dbSNP rs752445890, ClinGen allele CA403388517.

ClinVar aggregate classification (germline): Uncertain significance (1 of 4 stars; one submission).

Conditions:
Cardiofaciocutaneous syndrome 4 (CFC4). Also called: MAP2K2-Related Cardiofaciocutaneous Syndrome. Identifiers: Orphanet 1340, MedGen C3809007, MONDO:0014114, OMIM 615280.

Submission:

ARUP Laboratories, Molecular Genetics and Genomics, ARUP Laboratories
Classification: Uncertain significance for Cardiofaciocutaneous syndrome 4. Last evaluated: 2023-04-20. Review status: criteria provided, single submitter. Criteria: ARUP Molecular Germline Variant Investigation Process 2024. Collection method: clinical testing. Allele origin: germline.
Comment: The MAP2K2 c.650G>C; p.Gly217Ala variant, to our knowledge, is not reported in the medical literature or gene specific databases. This variant is also absent from the Genome Aggregation Database, indicating it is not a common polymorphism. Computational analyses predict that this variant is deleterious (REVEL: 0.799). Due to limited information, the clinical significance of this variant is uncertain at this time.